The following is an entry in ClinVar:

NM_000179.3(MSH6):c.806C>T (p.Thr269Ile)

Gene: MSH6 (mutS homolog 6; plus strand). Cytogenetic location: 2p16.3.
Variant type: single nucleotide variant.
Coding change: c.806C>T on transcript NM_000179.3 (MANE Select); coding-DNA position 806, C replaced by T.
Protein change: p.Thr269Ile; replaces threonine 269 with isoleucine.
Molecular consequence: missense variant. On other transcripts: 5 prime UTR variant (2).
Genome position (GRCh38, 1-based): chr2:47,798,789, C>T. VCF-style: chr2-47798789-C-T. GRCh37 (hg19) VCF-style: chr2-48025928-C-T.
Other names: c.416C>T, p.Thr139Ile (NM_001281492.2); c.-101C>T (NM_001281493.2, NM_001281494.2); short protein forms T269I, T139I.
Identifiers: ClinVar variation 422371 (VCV000422371.19), dbSNP rs587779322, ClinGen allele CA16617636.

ClinVar aggregate classification (germline): Conflicting classifications of pathogenicity. Review status: criteria provided, conflicting classifications (1 of 4 stars). 4 submissions from 4 submitters: Uncertain significance (3); Benign (1). Last evaluated 2025-06-19.

Conditions:
Hereditary nonpolyposis colorectal neoplasms. Identifiers: MedGen C0009405, MeSH D003123.
Hereditary cancer-predisposing syndrome. Also called: Hereditary neoplastic syndrome; Neoplastic Syndromes, Hereditary; Tumor predisposition; Hereditary Cancer Syndrome. Identifiers: Orphanet 140162, MedGen C0027672, MeSH D009386, MONDO:0015356.

gnomAD v4.1: 7 of 1,613,886 alleles (0.00043%); highest among the groups gnomAD compares: African/African-American, 0.0027%; no homozygotes.

Submissions (4):

Labcorp Genetics (formerly Invitae), Labcorp
Classification: Benign for Hereditary nonpolyposis colorectal neoplasms. Last evaluated: 2025-06-19. Review status: criteria provided, single submitter. Criteria: Invitae Variant Classification Sherloc (09022015). Collection method: clinical testing. Allele origin: germline.

Ambry Genetics
Classification: Uncertain significance for Hereditary cancer-predisposing syndrome. Last evaluated: 2025-02-24. Review status: criteria provided, single submitter. Criteria: Ambry Variant Classification Scheme 2023. Collection method: clinical testing. Allele origin: germline.
Comment: The p.T269I variant (also known as c.806C>T), located in coding exon 4 of the MSH6 gene, results from a C to T substitution at nucleotide position 806. The threonine at codon 269 is replaced by isoleucine, an amino acid with similar properties. This amino acid position is poorly conserved in available vertebrate species. In addition, this alteration is predicted to be tolerated by in silico analysis. Since supporting evidence is limited at this time, the clinical significance of this alteration remains unclear.

Color Diagnostics, LLC DBA Color Health
Classification: Uncertain significance for Hereditary cancer-predisposing syndrome. Last evaluated: 2023-05-09. Review status: criteria provided, single submitter. Criteria: ACMG Guidelines, 2015. Collection method: clinical testing. Allele origin: germline.
Comment: This missense variant replaces threonine with isoleucine at codon 269 of the MSH6 protein. Computational prediction suggests that this variant may not impact protein structure and function (internally defined REVEL score threshold <= 0.5, PMID: 27666373). To our knowledge, functional studies have not been reported for this variant. This variant has not been reported in individuals affected with MSH6-related disorders in the literature. This variant has been identified in 2/251032 chromosomes in the general population by the Genome Aggregation Database (gnomAD). The available evidence is insufficient to determine the role of this variant in disease conclusively. Therefore, this variant is classified as a Variant of Uncertain Significance.

GeneDx
Classification: Uncertain significance. Last evaluated: 2016-09-28. Review status: criteria provided, single submitter. Criteria: GeneDx Variant Classification (06012015). Collection method: clinical testing. Allele origin: germline. Affected: yes.
Comment: This variant is denoted MSH6 c.806C>T at the cDNA level, p.Thr269Ile (T269I) at the protein level, and results in the change of a Threonine to an Isoleucine (ACT>ATT). This variant has not, to our knowledge, been published in the literature as pathogenic or benign. MSH6 Thr269Ile was not observed in approximately 6,500 individuals of European and African American ancestry in the NHLBI Exome Sequencing Project, suggesting it is not a common benign variant in these populations. Since Threonine and Isoleucine differ in polarity, charge, size or other properties, this is considered a non-conservative amino acid substitution. MSH6 Thr269Ile occurs at a position that is not conserved and is not located in a known functional domain (Kariola 2002). In silico analyses are inconsistent regarding the effect this variant may have on protein structure and function. Based on currently available evidence, it is unclear whether MSH6 Thr269Ile is a pathogenic or benign variant. We consider it to be a variant of uncertain significance.